The following is an entry in ClinVar:

NM_018062.4(FANCL):c.22C>A (p.Leu8Met)

Gene: FANCL (FA complementation group L; minus strand). Cytogenetic location: 2p16.1.
Variant type: single nucleotide variant.
Coding change: c.22C>A on transcript NM_018062.4 (MANE Select); coding-DNA position 22, C replaced by A.
Protein change: p.Leu8Met; replaces leucine 8 with methionine.
Molecular consequence: missense variant.
Genome position (GRCh38, 1-based): chr2:58,241,292, G>T on the plus strand (C>A on the coding strand, the complement: FANCL is on the minus strand). VCF-style: chr2-58241292-G-T. GRCh37 (hg19) VCF-style: chr2-58468427-G-T.
Other names: c.22C>A, p.Leu8Met (NM_001114636.2, NM_001374615.1, NM_001410792.1); short protein forms L8M.
Identifiers: ClinVar variation 1038064 (VCV001038064.5), dbSNP rs764378405, ClinGen allele CA1670841.
Genomic context (GRCh38, chr2:58,241,292, plus strand): 5'-ATCCCTCATACACGGTTTTCGACCGGTTCTGGGGCAGAAGCAGGGGGCACTGGCGCAACA[G>T]GCTCGCTTCCGTCACCGCCATGGCTCGAAGTCCGGAGAAACACAGAAAAGCTCTAGACCT-3'
Protein context (NP_060532.2, residues 1-18): MAVTEAS[Leu8Met]LRQCPLLLPQ

ClinVar aggregate classification (germline): Uncertain significance. Review status: criteria provided, multiple submitters, no conflicts (2 of 4 stars). 2 submissions from 2 submitters: Uncertain significance (2). Last evaluated 2022-08-21.

Conditions:
Fanconi anemia (FA). Also called: Fanconi's anemia. Identifiers: Orphanet 84, MedGen C0015625, MeSH D005199, MONDO:0019391.
Fanconi anemia complementation group L (FANCL). Also called: FANCL-Related Fanconi Anemia. Identifiers: Orphanet 84, MedGen C3469528, MONDO:0013566, OMIM 614083.

Allele frequency attached by ClinVar (database versions not stated): TOPMed 0.00004.
gnomAD v4.1: 33 of 1,614,146 alleles (0.002%); highest among the groups gnomAD compares: Non-Finnish European, 0.0028%; no homozygotes.

Submissions (2):

Labcorp Genetics (formerly Invitae), Labcorp
Classification: Uncertain significance for Fanconi anemia. Last evaluated: 2022-08-21. Review status: criteria provided, single submitter. Criteria: Invitae Variant Classification Sherloc (09022015). Collection method: clinical testing. Allele origin: germline.
Comment: This sequence change replaces leucine, which is neutral and non-polar, with methionine, which is neutral and non-polar, at codon 8 of the FANCL protein (p.Leu8Met). This variant is present in population databases (rs764378405, gnomAD 0.003%). This variant has not been reported in the literature in individuals affected with FANCL-related conditions. ClinVar contains an entry for this variant (Variation ID: 1038064). Algorithms developed to predict the effect of missense changes on protein structure and function are either unavailable or do not agree on the potential impact of this missense change (SIFT: "Tolerated"; PolyPhen-2: "Possibly Damaging"; Align-GVGD: "Class C0"). In summary, the available evidence is currently insufficient to determine the role of this variant in disease. Therefore, it has been classified as a Variant of Uncertain Significance.

Fulgent Genetics
Classification: Uncertain significance for Fanconi anemia complementation group L. Last evaluated: 2022-01-05. Review status: criteria provided, single submitter. Criteria: ACMG Guidelines, 2015. Collection method: clinical testing. Allele origin: unknown.